The following is an entry in ClinVar:

NM_052867.4(NALCN):c.3731T>G (p.Met1244Arg)

Gene: NALCN (sodium leak channel, non-selective; minus strand). Cytogenetic location: 13q32.3.
Variant type: single nucleotide variant.
Coding change: c.3731T>G on transcript NM_052867.4 (MANE Select); coding-DNA position 3731, T replaced by G.
Protein change: p.Met1244Arg; replaces methionine 1244 with arginine.
Molecular consequence: missense variant.
Genome position (GRCh38, 1-based): chr13:101,082,843, A>C on the plus strand (T>G on the coding strand, the complement: NALCN is on the minus strand). VCF-style: chr13-101082843-A-C. GRCh37 (hg19) VCF-style: chr13-101735194-A-C.
Other names: c.3818T>G, p.Met1273Arg (NM_001350748.2); c.3731T>G, p.Met1244Arg (NM_001350749.2); c.3644T>G, p.Met1215Arg (NM_001350750.2, NM_001350751.2); short protein forms M1215R, M1244R, M1273R.
Identifiers: ClinVar variation 1320253 (VCV001320253.1), dbSNP rs2139514134, ClinGen allele CA388651070.
Genomic context (GRCh38, chr13:101,082,843, plus strand): 5'-CAGAGCTAGCTGACTCATTACAGTACCTCCAGAACAAAGATGAAGGTGAAAACAACTGAC[A>C]TTGTTGCCAAAGGTACGGTCACCGGGTCCTCGACGTCCCACTGCAACAGAAACAGCACAC-3'
Protein context (NP_443099.1, residues 1234-1254): EDPVTVPLAT[Met1244Arg]SVVFTFIFVL

ClinVar aggregate classification (germline): Likely pathogenic (1 of 4 stars; one submission).

Conditions:
Congenital contractures of the limbs and face, hypotonia, and developmental delay (CLIFAHDD). Identifiers: Orphanet 562528, MedGen C4225398, MONDO:0014556, OMIM 616266.

Submission:

3billion
Classification: Likely pathogenic for Congenital contractures of the limbs and face, hypotonia, and developmental delay. Last evaluated: 2021-10-02. Review status: criteria provided, single submitter. Criteria: ACMG Guidelines, 2015. Collection method: clinical testing. Allele origin: germline. Affected: yes. Observed: 1 heterozygote.
Comment: It is not observed in the gnomAD v2.1.1 dataset (PM2). The variant was observed as assumed (i.e. paternity and maternity not confirmed) de novoo (3billion dataset, PM6). In silico tool predictions suggest damaging effect of the variant on gene or gene product (REVEL: 0.811, 3Cnet: 0.501, PP3: 0.882). Missense changes are a common disease-causing mechanism (PP2). Therefore, this variant is classified as likely pathogenic according to the recommendation of ACMG/AMP guideline.